The following is an entry in ClinVar:

NM_020937.4(FANCM):c.2096A>G (p.Glu699Gly)

Gene: FANCM (FA complementation group M; plus strand). Cytogenetic location: 14q21.2.
Variant type: single nucleotide variant.
Coding change: c.2096A>G on transcript NM_020937.4 (MANE Select); coding-DNA position 2096, A replaced by G.
Protein change: p.Glu699Gly; replaces glutamic acid 699 with glycine.
Molecular consequence: missense variant.
Genome position (GRCh38, 1-based): chr14:45,170,682, A>G. VCF-style: chr14-45170682-A-G. GRCh37 (hg19) VCF-style: chr14-45639885-A-G.
Other names: c.2096A>G (LRG_502t1); c.2018A>G, p.Glu673Gly (NM_001308133.2); short protein forms E673G, E699G.
Identifiers: ClinVar variation 659285 (VCV000659285.8), dbSNP rs991105099, ClinGen allele CA259625604.

ClinVar aggregate classification (germline): Uncertain significance (1 of 4 stars; one submission).

Conditions:
Fanconi anemia (FA). Also called: Fanconi's anemia. Identifiers: Orphanet 84, MedGen C0015625, MeSH D005199, MONDO:0019391.

Allele frequency attached by ClinVar (database versions not stated): gnomAD 0.00001; gnomAD exomes 0.00001; TOPMed 0.00001.

Submission:

Labcorp Genetics (formerly Invitae), Labcorp
Classification: Uncertain significance for Fanconi anemia. Last evaluated: 2018-12-04. Review status: criteria provided, single submitter. Criteria: Invitae Variant Classification Sherloc (09022015). Collection method: clinical testing. Allele origin: germline.
Comment: This sequence change replaces glutamic acid with glycine at codon 699 of the FANCM protein (p.Glu699Gly). The glutamic acid residue is weakly conserved and there is a moderate physicochemical difference between glutamic acid and glycine. This variant is not present in population databases (ExAC no frequency). This variant has not been reported in the literature in individuals with FANCM-related conditions. Algorithms developed to predict the effect of missense changes on protein structure and function output the following: SIFT: "Tolerated"; PolyPhen-2: "Benign"; Align-GVGD: "Class C0". The glycine amino acid residue is found in multiple mammalian species, suggesting that this missense change does not adversely affect protein function. These predictions have not been confirmed by published functional studies and their clinical significance is uncertain. In summary, the available evidence is currently insufficient to determine the role of this variant in disease. Therefore, it has been classified as a Variant of Uncertain Significance.